The following is an entry in ClinVar:

ClinVar aggregate classification (germline): Uncertain significance (1 of 4 stars; one submission).

Conditions:
Accelerated tumor formation, susceptibility to (ACTFS). Identifiers: MedGen C3280690, OMIM 614401, MONDO:0013733.

Allele frequency attached by ClinVar (database versions not stated): gnomAD exomes below 0.00001.
gnomAD v4.1: 3 of 1,613,930 alleles (0.00019%); highest among the groups gnomAD compares: Non-Finnish European, 0.00025%; no homozygotes.

Submission:

Labcorp Genetics (formerly Invitae), Labcorp
Classification: Uncertain significance for Accelerated tumor formation, susceptibility to. Last evaluated: 2025-02-26. Review status: criteria provided, single submitter. Criteria: Invitae Variant Classification Sherloc (09022015). Collection method: clinical testing. Allele origin: germline.
Comment: This sequence change replaces cysteine, which is neutral and slightly polar, with tyrosine, which is neutral and polar, at codon 133 of the MDM2 protein (p.Cys133Tyr). This variant is not present in population databases (gnomAD no frequency). This variant has not been reported in the literature in individuals affected with MDM2-related conditions. ClinVar contains an entry for this variant (Variation ID: 1938361). An algorithm developed to predict the effect of missense changes on protein structure and function (PolyPhen-2) suggests that this variant is likely to be tolerated. In summary, the available evidence is currently insufficient to determine the role of this variant in disease. Therefore, it has been classified as a Variant of Uncertain Significance.

NM_002392.6(MDM2):c.398G>A (p.Cys133Tyr)

Gene: MDM2 (MDM2 proto-oncogene; plus strand). Cytogenetic location: 12q15.
Variant type: single nucleotide variant.
Coding change: c.398G>A on transcript NM_002392.6 (MANE Select); coding-DNA position 398, G replaced by A.
Protein change: p.Cys133Tyr; replaces cysteine 133 with tyrosine.
Molecular consequence: missense variant. On other transcripts: intron variant (3).
Genome position (GRCh38, 1-based): chr12:68,824,402, G>A. VCF-style: chr12-68824402-G-A. GRCh37 (hg19) VCF-style: chr12-69218182-G-A.
Other names: c.380G>A, p.Cys127Tyr (NM_001145337.3, NM_001367990.1); c.358+4028G>A (NM_001145339.2); c.156+10774G>A (NM_001278462.2, NM_001145340.3); short protein forms C133Y, C127Y.
Identifiers: ClinVar variation 1938361 (VCV001938361.5), dbSNP rs748317337, ClinGen allele CA238485660.